The following is an entry in ClinVar:

ClinVar aggregate classification (germline): Likely benign. Review status: criteria provided, multiple submitters, no conflicts (2 of 4 stars). 3 submissions from 3 submitters: Likely benign (3). Last evaluated 2025-09-26.

Conditions:
ACTB-related disorder. Also called: ACTB-related disorders; ACTB-related condition.
Baraitser-Winter syndrome 1 (BRWS1). Also called: BARAITSER-WINTER SYNDROME 1, ATYPICAL; PACHYGYRIA, MENTAL RETARDATION, EPILEPSY, AND CHARACTERISTIC FACIES; MENTAL RETARDATION WITH EPILEPSY AND CHARACTERISTIC FACIES; Cerebrofrontofacial syndrome. Identifiers: Orphanet 2649, Orphanet 2995, MedGen C1855722, MONDO:0009470, OMIM 243310.

gnomAD v4.1: 18 of 1,611,340 alleles (0.0011%); highest among the groups gnomAD compares: Non-Finnish European, 0.0014%; no homozygotes.

Submissions (3):

PreventionGenetics, part of Exact Sciences
Classification: Likely benign for ACTB-related condition. Last evaluated: 2025-09-26. Review status: criteria provided, single submitter. Criteria: ACMG Guidelines, 2015. Collection method: clinical testing. Allele origin: germline.
Comment: This variant is classified as likely benign based on ACMG/AMP sequence variant interpretation guidelines (Richards et al. 2015 PMID: 25741868, with internal and published modifications).

Labcorp Genetics (formerly Invitae), Labcorp
Classification: Likely benign for Baraitser-Winter syndrome 1. Last evaluated: 2024-09-23. Review status: criteria provided, single submitter. Criteria: Invitae Variant Classification Sherloc (09022015). Collection method: clinical testing. Allele origin: germline.

CeGaT Center for Human Genetics Tuebingen
Classification: Likely benign. Last evaluated: 2023-03-01. Review status: criteria provided, single submitter. Criteria: CeGaT Center For Human Genetics Tuebingen Variant Classification Criteria Version 2. Collection method: clinical testing. Allele origin: germline. Affected: yes. Observed: 1 variant allele.
Comment: ACTB: BP4, BP7

NM_001101.5(ACTB):c.24C>A (p.Leu8=)

Gene: ACTB (actin beta; minus strand). Cytogenetic location: 7p22.1.
Variant type: single nucleotide variant.
Coding change: c.24C>A on transcript NM_001101.5 (MANE Select); coding-DNA position 24, C replaced by A.
Protein change: p.Leu8=; no amino-acid change (leucine 8 retained).
Molecular consequence: synonymous variant.
Genome position (GRCh38, 1-based): chr7:5,529,634, G>T on the plus strand (C>A on the coding strand, the complement: ACTB is on the minus strand). VCF-style: chr7-5529634-G-T. GRCh37 (hg19) VCF-style: chr7-5569265-G-T.
Identifiers: ClinVar variation 2657289 (VCV002657289.28), dbSNP rs151181948, ClinGen allele CA4147214.